The following is an entry in ClinVar:

ClinVar aggregate classification (germline): Benign. Review status: criteria provided, multiple submitters, no conflicts (2 of 4 stars). 3 submissions from 3 submitters: Benign (2). 1 of the submissions does not count toward it. Last evaluated 2018-04-16.

Conditions:
GIGYF1-related disorder. Also called: GIGYF1-related condition.

Allele frequency attached by ClinVar (database versions not stated): gnomAD exomes 0.00068 and 0.00176; ExAC 0.00215; gnomAD 0.00598 and 0.00629; TOPMed 0.00624; 1000 Genomes Project 0.00659; ESP Exome Variant Server 0.00662; 1000 Genomes Project 30x 0.00718.
gnomAD v4.1: 1,912 of 1,611,438 alleles (0.12%); highest among the groups gnomAD compares: African/African-American, 2%; 17 homozygotes.

Submissions (3):

Labcorp Genetics (formerly Invitae), Labcorp
Classification: Benign. Last evaluated: 2018-04-16. Review status: criteria provided, single submitter. Criteria: Invitae Variant Classification Sherloc (09022015). Collection method: clinical testing. Allele origin: germline.

Breakthrough Genomics
Classification: Benign. Review status: criteria provided, single submitter. Criteria: ACMG Guidelines, 2015. Collection method: not provided. Allele origin: germline. Inheritance: Unknown mechanism. Affected: yes.

PreventionGenetics, part of Exact Sciences
Classification: Benign for GIGYF1-related condition. Last evaluated: 2022-01-31. Review status: no assertion criteria provided. Collection method: clinical testing. Allele origin: germline. Not counted in ClinVar's aggregate classification.
Comment: This variant is classified as benign based on ACMG/AMP sequence variant interpretation guidelines (Richards et al. 2015 PMID: 25741868, with internal and published modifications).

NM_001375765.1(GIGYF1):c.363G>A (p.Thr121=)

Gene: GIGYF1 (GRB10 interacting GYF protein 1; minus strand). Cytogenetic location: 7q22.1.
Variant type: single nucleotide variant.
Coding change: c.363G>A on transcript NM_001375765.1 (MANE Select); coding-DNA position 363, G replaced by A.
Protein change: p.Thr121=; no amino-acid change (threonine 121 retained).
Molecular consequence: synonymous variant. On other transcripts: non-coding transcript variant (1).
Genome position (GRCh38, 1-based): chr7:100,687,515, C>T on the plus strand (G>A on the coding strand, the complement: GIGYF1 is on the minus strand). VCF-style: chr7-100687515-C-T. GRCh37 (hg19) VCF-style: chr7-100285138-C-T.
Other names: NM_022574.4:c.363G>A; c.363G>A, p.Thr121= (NM_001375759.1, NM_001375760.1, NM_001375761.1 and 6 more transcripts).
Identifiers: ClinVar variation 712666 (VCV000712666.6), dbSNP rs78361039, ClinGen allele CA4389095.